The following is an entry in ClinVar:

ClinVar aggregate classification (germline): Pathogenic (1 of 4 stars; one submission).

Conditions:
Hereditary cancer-predisposing syndrome. Also called: Tumor predisposition; Neoplastic Syndromes, Hereditary; Hereditary Cancer Syndrome; Hereditary neoplastic syndrome. Identifiers: Orphanet 140162, MedGen C0027672, MeSH D009386, MONDO:0015356.

Submission:

Ambry Genetics
Classification: Pathogenic for Hereditary cancer-predisposing syndrome. Last evaluated: 2024-11-15. Review status: criteria provided, single submitter. Criteria: Ambry Variant Classification Scheme 2023. Collection method: clinical testing. Allele origin: germline.
Comment: The c.930delA pathogenic mutation, located in coding exon 9 of the BRCA2 gene, results from a deletion of one nucleotide at nucleotide position 930, causing a translational frameshift with a predicted alternate stop codon (p.L310Ffs*14). This variant is considered to be rare based on population cohorts in the Genome Aggregation Database (gnomAD). This alteration is expected to result in loss of function by premature protein truncation or nonsense-mediated mRNA decay. As such, this alteration is interpreted as a disease-causing mutation.

NM_000059.4(BRCA2):c.930del (p.Leu310fs)

Gene: BRCA2 (BRCA2 DNA repair associated; plus strand). Cytogenetic location: 13q13.1.
Variant type: Deletion.
Coding change: c.930del on transcript NM_000059.4 (MANE Select); coding-DNA position 930, one base deleted (A; older notation c.930delA).
Protein change: p.Leu310fs; shifts the reading frame from leucine 310.
Molecular consequence: frameshift variant. On other transcripts: non-coding transcript variant (1), intron variant (1).
Genome position (GRCh38, 1-based): chr13:32,332,408, A deleted. VCF-style (leftmost placement, unchanged base first): chr13-32332407-TA-T. GRCh37 (hg19) VCF-style: chr13-32906544-TA-T.
Other names: c.930del, p.Leu310fs (NM_001406719.1, NM_001406720.1, NM_001406721.1 and 1 more transcripts); c.424+1378del (NM_001406722.1); short protein forms L310fs.
Identifiers: ClinVar variation 3482162 (VCV003482162.1).
Genomic context (GRCh38, chr13:32,332,407, plus strand): 5'-TCCTAGAAGATGAAGTATATGAAACAGTTGTAGATACCTCTGAAGAAGATAGTTTTTCAT[TA>T]TGTTTTTCTAAATGTAGAACAAAAAATCTACAAAAAGTAAGAACTAGCAAGACTAGGAAA-3'